The following is an entry in ClinVar:

NM_152419.3(HGSNAT):c.494-2A>G

Gene: HGSNAT (heparan-alpha-glucosaminide N-acetyltransferase; plus strand). Cytogenetic location: 8p11.21.
Variant type: single nucleotide variant.
Coding change: c.494-2A>G on transcript NM_152419.3 (MANE Select); the canonical splice acceptor site of the intron before coding-DNA position 494, A replaced by G.
Molecular consequence: splice acceptor variant.
Genome position (GRCh38, 1-based): chr8:43,161,436, A>G. VCF-style: chr8-43161436-A-G. GRCh37 (hg19) VCF-style: chr8-43016579-A-G.
Other names: c.494-2A>G (NM_001363227.2, NM_001363228.2); c.-340-2A>G (NM_001363229.2).
Identifiers: ClinVar variation 2029865 (VCV002029865.5), dbSNP rs2486918870, ClinGen allele CA371115723.

ClinVar aggregate classification (germline): Pathogenic/Likely pathogenic. Review status: criteria provided, multiple submitters, no conflicts (2 of 4 stars). 2 submissions from 2 submitters: Pathogenic (1); Likely pathogenic (1). Last evaluated 2024-04-10.

Conditions:
Retinitis pigmentosa 73 (RP73). Identifiers: Orphanet 791, MedGen C4225287, MONDO:0014687, OMIM 616544.
Mucopolysaccharidosis, MPS-III-C (MPS3C). Also called: SANFILIPPO SYNDROME C; MPS III C; Mucopolysaccharidosis type IIIC (Sanfilippo C); MUCOPOLYSACCHARIDOSIS, TYPE IIIC; mucopolysaccharidosis type 3C; MPS IIIC (Sanfilippo Syndrome Type C). Identifiers: Orphanet 581, Orphanet 79271, MedGen C0086649, MONDO:0009657, OMIM 252930.

Submissions (2):

Fulgent Genetics
Classification: Likely pathogenic for Mucopolysaccharidosis, MPS-III-C; Retinitis pigmentosa 73. Last evaluated: 2024-04-10. Review status: criteria provided, single submitter. Criteria: ACMG Guidelines, 2015. Collection method: clinical testing. Allele origin: germline.

Labcorp Genetics (formerly Invitae), Labcorp
Classification: Pathogenic for Retinitis pigmentosa 73; Mucopolysaccharidosis, MPS-III-C. Last evaluated: 2023-12-05. Review status: criteria provided, single submitter. Criteria: Invitae Variant Classification Sherloc (09022015). Collection method: clinical testing. Allele origin: germline.
Comment: This sequence change affects an acceptor splice site in intron 4 of the HGSNAT gene. It is expected to disrupt RNA splicing. Variants that disrupt the donor or acceptor splice site typically lead to a loss of protein function (PMID: 16199547), and loss-of-function variants in HGSNAT are known to be pathogenic (PMID: 17033958, 19479962). This variant is not present in population databases (gnomAD no frequency). Disruption of this splice site has been observed in individual(s) with Mucopolysaccharidosis type III (PMID: 31228227). ClinVar contains an entry for this variant (Variation ID: 2029865). Studies have shown that disruption of this splice site is associated with altered splicing resulting in multiple RNA products (PMID: 31228227). For these reasons, this variant has been classified as Pathogenic.

Literature cited by the submitters: PubMed 16199547 (cited by Labcorp Genetics (formerly Invitae), Labcorp); PubMed 17033958 (cited by Labcorp Genetics (formerly Invitae), Labcorp); PubMed 19479962 (cited by Labcorp Genetics (formerly Invitae), Labcorp); PubMed 31228227 (cited by Labcorp Genetics (formerly Invitae), Labcorp).